The following is an entry in ClinVar:

ClinVar aggregate classification (germline): Likely benign. Review status: criteria provided, multiple submitters, no conflicts (2 of 4 stars). 4 submissions from 4 submitters: Likely benign (4). Last evaluated 2025-11-15.

Conditions:
ADGRV1-related disorder. Also called: ADGRV1-related condition; ADGRV1-related disorders.

Allele frequency attached by ClinVar (database versions not stated): TOPMed 0.00002; ExAC 0.00003; gnomAD 0.00003; gnomAD exomes 0.00004.
gnomAD v4.1: 37 of 1,613,146 alleles (0.0023%); highest among the groups gnomAD compares: South Asian, 0.025%; no homozygotes.

Submissions (4):

Labcorp Genetics (formerly Invitae), Labcorp
Classification: Likely benign. Last evaluated: 2025-11-15. Review status: criteria provided, single submitter. Criteria: Invitae Variant Classification Sherloc (09022015). Collection method: clinical testing. Allele origin: germline.

PreventionGenetics, part of Exact Sciences
Classification: Likely benign for ADGRV1-related condition. Last evaluated: 2025-10-27. Review status: criteria provided, single submitter. Criteria: ACMG Guidelines, 2015. Collection method: clinical testing. Allele origin: germline.
Comment: This variant is classified as likely benign based on ACMG/AMP sequence variant interpretation guidelines (Richards et al. 2015 PMID: 25741868, with internal and published modifications).

Women's Health and Genetics/Laboratory Corporation of America, LabCorp
Classification: Likely benign. Last evaluated: 2025-03-19. Review status: criteria provided, single submitter. Criteria: LabCorp Variant Classification Summary - May 2015. Collection method: clinical testing. Allele origin: germline.

Blueprint Genetics
Classification: Likely benign. Last evaluated: 2024-04-05. Review status: criteria provided, single submitter. Criteria: ACMG Guidelines, 2015. Collection method: clinical testing. Allele origin: germline.

NM_032119.4(ADGRV1):c.8400C>T (p.Ala2800=)

Gene: ADGRV1 (adhesion G protein-coupled receptor V1; plus strand). Cytogenetic location: 5q14.3.
Variant type: single nucleotide variant.
Coding change: c.8400C>T on transcript NM_032119.4 (MANE Select); coding-DNA position 8400, C replaced by T.
Protein change: p.Ala2800=; no amino-acid change (alanine 2800 retained).
Molecular consequence: synonymous variant. On other transcripts: non-coding transcript variant (1).
Genome position (GRCh38, 1-based): chr5:90,705,413, C>T. VCF-style: chr5-90705413-C-T. GRCh37 (hg19) VCF-style: chr5-90001230-C-T.
Identifiers: ClinVar variation 740009 (VCV000740009.10), dbSNP rs750169738, ClinGen allele CA3340256.